The following is an entry in ClinVar:

NM_020975.6(RET):c.3317C>T (p.Ala1106Val)

Gene: RET (ret proto-oncogene; plus strand). Cytogenetic location: 10q11.21.
Variant type: single nucleotide variant.
Coding change: c.3317C>T on transcript NM_020975.6 (MANE Select); coding-DNA position 3317, C replaced by T.
Protein change: p.Ala1106Val; replaces alanine 1106 with valine.
Molecular consequence: missense variant. On other transcripts: 3 prime UTR variant (18), intron variant (3).
Genome position (GRCh38, 1-based): chr10:43,128,241, C>T. VCF-style: chr10-43128241-C-T. GRCh37 (hg19) VCF-style: chr10-43623689-C-T.
Other names: c.*1487C>T (NM_001355216.2, NM_001406764.1, NM_001406765.1 and 15 more transcripts); c.3317C>T, p.Ala1106Val (NM_001406743.1); c.3257C>T, p.Ala1086Val (NM_001406759.1, NM_001406760.1); c.3188C>T, p.Ala1063Val (NM_001406761.1, NM_001406762.1); c.3182C>T, p.Ala1061Val (NM_001406763.1); c.3029C>T, p.Ala1010Val (NM_001406766.1, NM_001406767.1); c.2921C>T, p.Ala974Val (NM_001406769.1); c.2879C>T, p.Ala960Val (NM_001406771.1); and 10 more; short protein forms A1010V, A1063V, A1061V, A623V, A711V, A807V, A974V, A1086V.
Identifiers: ClinVar variation 3944716 (VCV003944716.1).

ClinVar aggregate classification (germline): Uncertain significance (1 of 4 stars; one submission).

Conditions:
Hereditary cancer-predisposing syndrome. Also called: Tumor predisposition; Hereditary neoplastic syndrome; Hereditary Cancer Syndrome; Neoplastic Syndromes, Hereditary. Identifiers: Orphanet 140162, MedGen C0027672, MeSH D009386, MONDO:0015356.

Submission:

Ambry Genetics
Classification: Uncertain significance for Hereditary cancer-predisposing syndrome. Last evaluated: 2025-06-02. Review status: criteria provided, single submitter. Criteria: Ambry Variant Classification Scheme 2023. Collection method: clinical testing. Allele origin: germline.
Comment: The p.A1106V variant (also known as c.3317C>T), located in coding exon 20 of the RET gene, results from a C to T substitution at nucleotide position 3317. The alanine at codon 1106 is replaced by valine, an amino acid with similar properties. This amino acid position is conserved. In addition, the in silico prediction for this alteration is inconclusive. Based on the available evidence, the clinical significance of this variant remains unclear.